The following is an entry in ClinVar:

ClinVar aggregate classification (germline): Benign. Review status: criteria provided, multiple submitters, no conflicts (2 of 4 stars). 4 submissions from 4 submitters: Benign (4). Last evaluated 2026-02-02.

Conditions:
ASB10-related disorder. Also called: ASB10-related condition.

Allele frequency attached by ClinVar (database versions not stated): gnomAD exomes 0.05535; ExAC 0.05588; TOPMed 0.06700; gnomAD 0.06778 and 0.06861; 1000 Genomes Project 30x 0.07651; 1000 Genomes Project 0.07668.
gnomAD v4.1: 84,463 of 1,550,106 alleles (5.4%); highest among the groups gnomAD compares: African/African-American, 9.7%; 2,567 homozygotes.

Submissions (4):

Labcorp Genetics (formerly Invitae), Labcorp
Classification: Benign. Last evaluated: 2026-02-02. Review status: criteria provided, single submitter. Criteria: Invitae Variant Classification Sherloc (09022015). Collection method: clinical testing. Allele origin: germline.

PreventionGenetics, part of Exact Sciences
Classification: Benign for ASB10-related condition. Last evaluated: 2025-03-27. Review status: criteria provided, single submitter. Criteria: ACMG Guidelines, 2015. Collection method: clinical testing. Allele origin: germline.
Comment: This variant is classified as benign based on ACMG/AMP sequence variant interpretation guidelines (Richards et al. 2015 PMID: 25741868, with internal and published modifications).

GeneDx
Classification: Benign. Last evaluated: 2018-04-19. Review status: criteria provided, single submitter. Criteria: GeneDx Variant Classification (06012015). Collection method: clinical testing. Allele origin: germline. Affected: yes.
Comment: This variant is considered likely benign or benign based on one or more of the following criteria: it is a conservative change, it occurs at a poorly conserved position in the protein, it is predicted to be benign by multiple in silico algorithms, and/or has population frequency not consistent with disease.

Breakthrough Genomics
Classification: Benign. Review status: criteria provided, single submitter. Criteria: ACMG Guidelines, 2015. Collection method: not provided. Allele origin: germline. Inheritance: Autosomal dominant inheritance. Affected: yes.

NM_001142459.2(ASB10):c.1114C>T (p.Arg372Cys)

Gene: ASB10 (ankyrin repeat and SOCS box containing 10; minus strand). Cytogenetic location: 7q36.1.
Variant type: single nucleotide variant.
Coding change: c.1114C>T on transcript NM_001142459.2 (MANE Select); coding-DNA position 1114, C replaced by T.
Protein change: p.Arg372Cys; replaces arginine 372 with cysteine.
Molecular consequence: missense variant. On other transcripts: intron variant (1).
Genome position (GRCh38, 1-based): chr7:151,176,667, G>A on the plus strand (C>T on the coding strand, the complement: ASB10 is on the minus strand). VCF-style: chr7-151176667-G-A. GRCh37 (hg19) VCF-style: chr7-150873754-G-A.
Other names: c.1069C>T, p.Arg357Cys (NM_080871.4); c.1105-370C>T (NM_001142460.1); short protein forms R372C, R357C.
Identifiers: ClinVar variation 677160 (VCV000677160.11), dbSNP rs62489646, ClinGen allele CA4573669.